The following is an entry in ClinVar:

ClinVar aggregate classification (germline): Likely pathogenic (1 of 4 stars; one submission).

Conditions:
Hematuria, benign familial, 2 (BFH2). Identifiers: MedGen C5830421, MONDO:0958186, OMIM 620320.

gnomAD v4.1: 1 of 1,614,034 alleles (0.000062%); highest among the groups gnomAD compares: South Asian, 0.0011%; no homozygotes.

Submission:

Centre de Génétique Humaine, Institut de Pathologie Et de Génétique
Classification: Likely pathogenic for Hematuria, benign familial, 2. Last evaluated: 2026-04-02. Review status: criteria provided, single submitter. Criteria: ACMG Guidelines, 2015. Collection method: clinical testing. Allele origin: germline. Inheritance: Autosomal dominant inheritance. Affected: yes. Observed: 1 variant allele, 1 heterozygote. Segregation with disease not observed.
Comment: This missense variant involves a highly conserved glycine located in a ‘Gly-X-Y’ motif in collagenous region, which is characteristic of the pathogenic variants identified in the COL4A3 gene (PM1,PP2). Variant adjacent to splice site. This variant is rare: allelic frequency of 0.000062% in gnomAD v4.1.0 database (PM2); In silico analysis supports that this missense variant has a deleterious effect (PP3).

NM_000091.5(COL4A3):c.2747G>A (p.Gly916Glu)

Genes: COL4A3 (collagen type IV alpha 3 chain; plus strand), MFF-DT (MFF divergent transcript; minus strand). Cytogenetic location: 2q36.3.
Variant type: single nucleotide variant.
Coding change: c.2747G>A on transcript NM_000091.5 (MANE Select); coding-DNA position 2747, G replaced by A.
Protein change: p.Gly916Glu; replaces glycine 916 with glutamic acid.
Molecular consequence: missense variant.
Genome position (GRCh38, 1-based): chr2:227,284,211, G>A. VCF-style: chr2-227284211-G-A. GRCh37 (hg19) VCF-style: chr2-228148927-G-A.
Other names: p.(Gly916Glu); short protein forms G916E.
Identifiers: ClinVar variation 4853860 (VCV004853860.1).